The following is an entry in ClinVar:

ClinVar aggregate classification (germline): Uncertain significance. Review status: criteria provided, single submitter (1 of 4 stars). 2 submissions from 2 submitters: Uncertain significance (1). 1 of the submissions does not count toward it. Last evaluated 2021-11-29.

Conditions:
Leukoencephalopathy with mild cerebellar ataxia and white matter edema (LKPAT). Also called: CLCN2-Related Leukoencephalopathy; Leukoencephalopathy with white matter edema; Brain white matter edema; Leukoencephalopathy with ataxia. Identifiers: Orphanet 363540, MedGen C4554120, MONDO:0014292, OMIM 615651. Disease mechanism: loss of function.

Allele frequency attached by ClinVar (database versions not stated): gnomAD exomes below 0.00001; TOPMed below 0.00001.
gnomAD v4.1: 1 of 1,606,362 alleles (0.000062%); highest among the groups gnomAD compares: Non-Finnish European, 0.000085%; no homozygotes.

Submissions (2):

Labcorp Genetics (formerly Invitae), Labcorp
Classification: Uncertain significance. Last evaluated: 2021-11-29. Review status: criteria provided, single submitter. Criteria: Invitae Variant Classification Sherloc (09022015). Collection method: clinical testing. Allele origin: germline.
Comment: This sequence change replaces glycine, which is neutral and non-polar, with glutamic acid, which is acidic and polar, at codon 466 of the CLCN2 protein (p.Gly466Glu). In summary, the available evidence is currently insufficient to determine the role of this variant in disease. Therefore, it has been classified as a Variant of Uncertain Significance. Algorithms developed to predict the effect of sequence changes on RNA splicing suggest that this variant may disrupt the consensus splice site. Experimental studies have shown that this missense change affects CLCN2 function (PMID: 28905383). Algorithms developed to predict the effect of missense changes on protein structure and function (SIFT, PolyPhen-2, Align-GVGD) all suggest that this variant is likely to be disruptive. ClinVar contains an entry for this variant (Variation ID: 217790). This missense change has been observed in individual(s) with leukodystrophy (PMID: 28905383). This variant is not present in population databases (gnomAD no frequency).

GeneReviews
No classification provided. Condition: Leukoencephalopathy with mild cerebellar ataxia and white matter edema. Review status: no classification provided. Collection method: literature only. Allele origin: germline. Affected: yes. Not counted in ClinVar's aggregate classification.

Literature cited by the submitters: PubMed 28905383 (cited by Labcorp Genetics (formerly Invitae), Labcorp); NCBI Bookshelf NBK326661 (cited by GeneReviews).

NM_004366.6(CLCN2):c.1397G>A (p.Gly466Glu)

Gene: CLCN2 (chloride voltage-gated channel 2; minus strand). Cytogenetic location: 3q27.1.
Variant type: single nucleotide variant.
Coding change: c.1397G>A on transcript NM_004366.6 (MANE Select); coding-DNA position 1397, G replaced by A.
Protein change: p.Gly466Glu; replaces glycine 466 with glutamic acid.
Molecular consequence: missense variant. On other transcripts: intron variant (1).
Genome position (GRCh38, 1-based): chr3:184,354,658, C>T on the plus strand (G>A on the coding strand, the complement: CLCN2 is on the minus strand). VCF-style: chr3-184354658-C-T. GRCh37 (hg19) VCF-style: chr3-184072446-C-T.
Other names: c.1265G>A, p.Gly422Glu (NM_001171088.3); c.1397G>A, p.Gly466Glu (NM_001171089.3); c.1397-51G>A (NM_001171087.3); short protein forms G466E, G422E.
Identifiers: ClinVar variation 217790 (VCV000217790.8), dbSNP rs863225254, ClinGen allele CA347654.
Genomic context (GRCh38, chr3:184,354,658, plus strand): 5'-TGAATTCCATCTGGGAACCAGGCAGCCATGCTTTCACCCACCAGACGCCCAAATGCTGCT[C>T]CTTCAGGGAGGGGGGTGGGAAGAGAAAGAGGCAGTGGAGGGGGAGGGCAGGGGGCACTAG-3'
Protein context (NP_004357.3, residues 456-476): CGAFMPVFVI[Gly466Glu]AAFGRLVGES